The following is an entry in ClinVar:

NM_014956.5(CEP164):c.4255_4262dup (p.Glu1421fs)

Gene: CEP164 (centrosomal protein 164; plus strand). Cytogenetic location: 11q23.3.
Variant type: Duplication.
Coding change: c.4255_4262dup on transcript NM_014956.5 (MANE Select); coding-DNA positions 4255 to 4262, 8 bases duplicated (TGGCTGGA; older notation c.4255_4262dupTGGCTGGA).
Protein change: p.Glu1421fs; shifts the reading frame from glutamic acid 1421.
Molecular consequence: frameshift variant.
Genome position (GRCh38, 1-based): chr11:117,411,886-117,411,893, TGGCTGGA duplicated. VCF-style (leftmost placement, unchanged base first): chr11-117411885-G-GTGGCTGGA. GRCh37 (hg19) VCF-style: chr11-117282601-G-GTGGCTGGA.
Other names: c.4255_4262dup8 (NM_014956.4); c.4240_4247dup, p.Glu1416fs (NM_001271933.2); short protein forms E1421fs, E1416fs.
Identifiers: ClinVar variation 1434931 (VCV001434931.8), dbSNP rs2047398079, ClinGen allele CA2003029264.
Genomic context (GRCh38, chr11:117,411,885, plus strand): 5'-TTCGCAAGTCCCTGAGGCGGGCAGCACCACCTTTCAGGGCATAATTGAGGCCAACCGGAG[G>GTGGCTGGA]TGGCTGGAACGTGTCAAGAATGACCCCAGGTTGTATCCTTTTACCTGGTTCCCAAACTGG-3'

ClinVar aggregate classification (germline): Uncertain significance. Review status: criteria provided, multiple submitters, no conflicts (2 of 4 stars). 3 submissions from 3 submitters: Uncertain significance (3). Last evaluated 2026-05-13.

Conditions:
CEP164-related disorder. Also called: CEP164-related condition.
Nephronophthisis 15 (NPHP15). Identifiers: Orphanet 3156, MedGen C3541853, MONDO:0013917, OMIM 614845.

Allele frequency attached by ClinVar (database versions not stated): gnomAD exomes below 0.00001; TOPMed below 0.00001.

Submissions (3):

PreventionGenetics, part of Exact Sciences
Classification: Uncertain significance for CEP164-related condition. Last evaluated: 2026-05-13. Review status: criteria provided, single submitter. Criteria: ACMG Guidelines, 2015. Collection method: clinical testing. Allele origin: germline.
Comment: The CEP164 c.4255_4262dup8 variant is predicted to result in a frameshift and premature protein termination (p.Glu1421Aspfs*25). To our knowledge, this variant has not been reported in the literature or in a large population database (gnomAD), indicating this variant is rare. While other truncating variants upstream of this position have been reported in ClinVar as pathogenic/likely pathogenic, this variant results in truncation of the last 40 residues of the CEP164 protein and is interpreted in ClinVar as uncertain. Although we suspect that this variant may be pathogenic, at this time, the clinical significance of this variant is uncertain due to the absence of conclusive functional and genetic evidence.

Fulgent Genetics
Classification: Uncertain significance for Nephronophthisis 15. Last evaluated: 2024-05-14. Review status: criteria provided, single submitter. Criteria: ACMG Guidelines, 2015. Collection method: clinical testing. Allele origin: germline.

Labcorp Genetics (formerly Invitae), Labcorp
Classification: Uncertain significance for Nephronophthisis 15. Last evaluated: 2022-07-05. Review status: criteria provided, single submitter. Criteria: Invitae Variant Classification Sherloc (09022015). Collection method: clinical testing. Allele origin: germline.
Comment: In summary, the available evidence is currently insufficient to determine the role of this variant in disease. Therefore, it has been classified as a Variant of Uncertain Significance. Experimental studies and prediction algorithms are not available or were not evaluated, and the functional significance of this variant is currently unknown. ClinVar contains an entry for this variant (Variation ID: 1434931). This variant has not been reported in the literature in individuals affected with CEP164-related conditions. This variant is not present in population databases (gnomAD no frequency). This sequence change creates a premature translational stop signal (p.Glu1421Aspfs*25) in the CEP164 gene. While this is not anticipated to result in nonsense mediated decay, it is expected to disrupt the last 40 amino acid(s) of the CEP164 protein.